The following is an entry in ClinVar:

NM_198428.3(BBS9):c.663G>T (p.Glu221Asp)

Gene: BBS9 (Bardet-Biedl syndrome 9; plus strand). Cytogenetic location: 7p14.3.
Variant type: single nucleotide variant.
Coding change: c.663G>T on transcript NM_198428.3 (MANE Select); coding-DNA position 663, G replaced by T.
Protein change: p.Glu221Asp; replaces glutamic acid 221 with aspartic acid.
Molecular consequence: missense variant. On other transcripts: non-coding transcript variant (3).
Genome position (GRCh38, 1-based): chr7:33,264,335, G>T. VCF-style: chr7-33264335-G-T. GRCh37 (hg19) VCF-style: chr7-33303947-G-T.
Other names: c.663G>T (NM_198428.2); c.390G>T, p.Glu130Asp (NM_001348039.3, NM_001348038.3); c.663G>T, p.Glu221Asp (NM_001348040.3, NM_001348041.4, NM_001348043.3 and 5 more transcripts); c.528G>T, p.Glu176Asp (NM_001348042.3); c.297G>T, p.Glu99Asp (NM_001348044.3, NM_001348045.3, NM_001348046.3 and 1 more transcripts); short protein forms E130D, E176D, E221D, E99D.
Identifiers: ClinVar variation 1008082 (VCV001008082.8), dbSNP rs767766656, ClinGen allele CA4214067.

ClinVar aggregate classification (germline): Uncertain significance. Review status: criteria provided, multiple submitters, no conflicts (2 of 4 stars). 3 submissions from 3 submitters: Uncertain significance (3). Last evaluated 2025-12-22.

Conditions:
Bardet-Biedl syndrome (BBS). Identifiers: Orphanet 110, MedGen C0752166, MONDO:0015229.
Bardet-Biedl syndrome 9 (BBS9). Identifiers: Orphanet 110, MedGen C1859567, MONDO:0014437, OMIM 615986.
BBS9-related disorder. Also called: BBS9-related condition.

Allele frequency attached by ClinVar (database versions not stated): gnomAD exomes 0.00001; ExAC 0.00002; TOPMed 0.00004; gnomAD 0.00005.

Submissions (3):

PreventionGenetics, part of Exact Sciences
Classification: Uncertain significance for BBS9-related condition. Last evaluated: 2025-12-22. Review status: criteria provided, single submitter. Criteria: ACMG Guidelines, 2015. Collection method: clinical testing. Allele origin: germline.
Comment: The BBS9 c.663G>T variant is predicted to result in the amino acid substitution p.Glu221Asp. To our knowledge, this variant has not been reported in the literature. This variant is reported in 0.012% of alleles in individuals of African descent in gnomAD. At this time, the clinical significance of this variant is uncertain due to the absence of conclusive functional and genetic evidence.

Fulgent Genetics
Classification: Uncertain significance for Bardet-Biedl syndrome 9. Last evaluated: 2024-04-22. Review status: criteria provided, single submitter. Criteria: ACMG Guidelines, 2015. Collection method: clinical testing. Allele origin: germline.

Labcorp Genetics (formerly Invitae), Labcorp
Classification: Uncertain significance for Bardet-Biedl syndrome. Last evaluated: 2022-03-29. Review status: criteria provided, single submitter. Criteria: Invitae Variant Classification Sherloc (09022015). Collection method: clinical testing. Allele origin: germline.
Comment: This sequence change replaces glutamic acid, which is acidic and polar, with aspartic acid, which is acidic and polar, at codon 221 of the BBS9 protein (p.Glu221Asp). This variant is present in population databases (rs767766656, gnomAD 0.01%). This variant has not been reported in the literature in individuals affected with BBS9-related conditions. ClinVar contains an entry for this variant (Variation ID: 1008082). Algorithms developed to predict the effect of missense changes on protein structure and function output the following: SIFT: "Deleterious"; PolyPhen-2: "Benign"; Align-GVGD: "Class C35". The aspartic acid amino acid residue is found in multiple mammalian species, which suggests that this missense change does not adversely affect protein function. In summary, the available evidence is currently insufficient to determine the role of this variant in disease. Therefore, it has been classified as a Variant of Uncertain Significance.